The following is an entry in ClinVar:

ClinVar aggregate classification (germline): Conflicting classifications of pathogenicity. Review status: criteria provided, conflicting classifications (1 of 4 stars). 4 submissions from 4 submitters: Uncertain significance (1); Likely benign (3). Last evaluated 2026-01-08.

Conditions:
Endometrial carcinoma. Also called: Endometrial carcinoma, somatic. Identifiers: MedGen C0476089, MONDO:0002447, OMIM 608089, HP:0012114.
Familial adenomatous polyposis 4 (FAP4). Also called: MSH3-related attenuated familial adenomatous polyposis. Identifiers: Orphanet 480536, MedGen C4310719, MONDO:0044300, OMIM 617100.
Hereditary cancer-predisposing syndrome. Also called: Tumor predisposition; Neoplastic Syndromes, Hereditary; Hereditary Cancer Syndrome; Hereditary neoplastic syndrome. Identifiers: Orphanet 140162, MedGen C0027672, MeSH D009386, MONDO:0015356.

Allele frequency attached by ClinVar (database versions not stated): gnomAD exomes 0.00001.
gnomAD v4.1: 12 of 1,613,872 alleles (0.00074%); highest among the groups gnomAD compares: Non-Finnish European, 0.001%; no homozygotes.

Submissions (4):

Labcorp Genetics (formerly Invitae), Labcorp
Classification: Likely benign. Last evaluated: 2026-01-08. Review status: criteria provided, single submitter. Criteria: Invitae Variant Classification Sherloc (09022015). Collection method: clinical testing. Allele origin: germline.

Quest Diagnostics Nichols Institute San Juan Capistrano
Classification: Uncertain significance. Last evaluated: 2024-04-16. Review status: criteria provided, single submitter. Criteria: Quest Diagnostics criteria. Collection method: clinical testing. Allele origin: unknown.
Comment: The MSH3 c.2964C>T (p.Ala988=) synonymous variant has not been reported in individuals with MSH3-related conditions in the published literature. It also has not been reported in large, multi-ethnic general populations (Genome Aggregation Database). Analysis of this variant using software algorithms for the prediction of the effect of nucleotide changes on splicing yielded predictions that this variant does not affect MSH3 mRNA splicing. Based on the available information, we are unable to determine the clinical significance of this variant.

Department of Pathology and Laboratory Medicine, Sinai Health System
Classification: Likely benign for Endometrial carcinoma; Familial adenomatous polyposis 4. Last evaluated: 2023-03-01. Review status: criteria provided, single submitter. Criteria: ACMG Guidelines, 2015. Collection method: clinical testing. Allele origin: germline. Affected: yes.

Ambry Genetics
Classification: Likely benign for Hereditary cancer-predisposing syndrome. Last evaluated: 2020-02-15. Review status: criteria provided, single submitter. Criteria: Ambry Variant Classification Scheme 2023. Collection method: clinical testing. Allele origin: germline.

NM_002439.5(MSH3):c.2964C>T (p.Ala988=)

Gene: MSH3 (mutS homolog 3; plus strand). Cytogenetic location: 5q14.1.
Variant type: single nucleotide variant.
Coding change: c.2964C>T on transcript NM_002439.5 (MANE Select); coding-DNA position 2964, C replaced by T.
Protein change: p.Ala988=; no amino-acid change (alanine 988 retained).
Molecular consequence: synonymous variant.
Genome position (GRCh38, 1-based): chr5:80,854,280, C>T. VCF-style: chr5-80854280-C-T. GRCh37 (hg19) VCF-style: chr5-80150099-C-T.
Identifiers: ClinVar variation 760910 (VCV000760910.15), dbSNP rs1580091611, ClinGen allele CA445165488.